The following is an entry in ClinVar:

ClinVar aggregate classification (germline): Uncertain significance (1 of 4 stars; one submission).

gnomAD v4.1: 3 of 1,614,024 alleles (0.00019%); highest among the groups gnomAD compares: Middle Eastern, 0.033%; no homozygotes.

Submission:

Labcorp Genetics (formerly Invitae), Labcorp
Classification: Uncertain significance. Last evaluated: 2026-01-14. Review status: criteria provided, single submitter. Criteria: Invitae Variant Classification Sherloc (09022015). Collection method: clinical testing. Allele origin: germline.
Comment: This sequence change replaces threonine, which is neutral and polar, with proline, which is neutral and non-polar, at codon 348 of the PHF21A protein (p.Thr348Pro). This variant is present in population databases (no rsID available, gnomAD 0.0009%). This variant has not been reported in the literature in individuals affected with PHF21A-related conditions. Invitae Evidence Modeling of protein sequence and biophysical properties (such as structural, functional, and spatial information, amino acid conservation, physicochemical variation, residue mobility, and thermodynamic stability) indicates that this missense variant is not expected to disrupt PHF21A protein function with a negative predictive value of 80%. In summary, the available evidence is currently insufficient to determine the role of this variant in disease. Therefore, it has been classified as a Variant of Uncertain Significance.

NM_001352027.3(PHF21A):c.1045A>C (p.Thr349Pro)

Gene: PHF21A (PHD finger protein 21A; minus strand). Cytogenetic location: 11p11.2.
Variant type: single nucleotide variant.
Coding change: c.1045A>C on transcript NM_001352027.3 (MANE Select); coding-DNA position 1045, A replaced by C.
Protein change: p.Thr349Pro; replaces threonine 349 with proline.
Molecular consequence: missense variant. On other transcripts: non-coding transcript variant (2).
Genome position (GRCh38, 1-based): chr11:45,953,577, T>G on the plus strand (A>C on the coding strand, the complement: PHF21A is on the minus strand). VCF-style: chr11-45953577-T-G. GRCh37 (hg19) VCF-style: chr11-45975128-T-G.
Other names: c.1042A>C, p.Thr348Pro (NM_001101802.3, NM_001352030.3, NM_001352031.3 and 2 more transcripts); c.1045A>C, p.Thr349Pro (NM_001352025.3, NM_001352026.3, NM_001352028.1 and 3 more transcripts); c.1066A>C, p.Thr356Pro (NM_001441167.1, NM_001441168.1); c.1063A>C, p.Thr355Pro (NM_001441169.1); c.793A>C, p.Thr265Pro (NM_001441172.1); short protein forms T355P, T265P, T349P, T348P, T356P.
Identifiers: ClinVar variation 4693339 (VCV004693339.1).
Genomic context (GRCh38, chr11:45,953,577, plus strand): 5'-ATAGGCCTACCTGAGGGTTCTCCTCCCGTTTTGGTTTGGGTGCAGCAGGTGGGGTGATGG[T>G]GCGGCTCTCTGTTTGTTTCTCATCTGTTTCTGTGTGAGATTTAACTGTCTAGGAGAGAAA-3'
Protein context (NP_001338956.1, residues 339-359): ETDEKQTESR[Thr349Pro]ITPPAAPKPK